The following is an entry in ClinVar:

ClinVar aggregate classification (germline): Benign (1 of 4 stars; one submission).

Conditions:
Leigh syndrome (NULS). Also called: Leigh's necrotizing encephalopathy; Leigh's disease; Leigh Syndrome (mtDNA deletion); Leigh Disease; Subacute necrotizing encephalopathy; Necrotizing encephalopathy infantile subacute of Leigh. Identifiers: Orphanet 506, MedGen C2931891, MONDO:0009723, OMIM 256000.

Submission:

Wong Mito Lab, Molecular and Human Genetics, Baylor College of Medicine
Classification: Benign for Leigh syndrome. Last evaluated: 2019-10-17. Review status: criteria provided, single submitter. Criteria: Modified ACMG Guidelines (Unpublished). Collection method: clinical testing. Allele origin: germline.
Comment: The NC_012920.1:m.8836A>G (YP_003024031.1:p.Met104Val) variant in MTATP6 gene is interpretated to be a Benign variant based on the modified ACMG guidelines (unpublished). This variant meets the following evidence codes: BS1, BS2

NC_012920.1(MT-ATP6):m.8836A>G

Gene: MT-ATP6 (mitochondrially encoded ATP synthase 6; plus strand).
Variant type: single nucleotide variant.
Genome position: chrM-8836-A-G.
Identifiers: ClinVar variation 692995 (VCV000692995.1), dbSNP rs1603221835, ClinGen allele CA414798383.
Genomic context (GRCh38, chrMT:8,836, plus strand): 5'-CTCCTCGGACTCCTGCCTCACTCATTTACACCAACCACCCAACTATCTATAAACCTAGCC[A>G]TGGCCATCCCCTTATGAGCGGGCACAGTGATTATAGGCTTTCGCTCTAAGATTAAAAATG-3'